The following is an entry in ClinVar:

NM_001384140.1(PCDH15):c.3441del (p.Lys1147fs)

Gene: PCDH15 (protocadherin related 15; minus strand). Cytogenetic location: 10q21.1.
Variant type: Deletion.
Coding change: c.3441del on transcript NM_001384140.1 (MANE Select); coding-DNA position 3441, one base deleted (A; older notation c.3441delA).
Protein change: p.Lys1147fs; shifts the reading frame from lysine 1147.
Molecular consequence: frameshift variant.
Genome position (GRCh38, 1-based): chr10:53,903,303, T deleted on the plus strand (A on the coding strand, the reverse complement: PCDH15 is on the minus strand); the first of 6 consecutive T bases (chr10:53,903,303-53,903,308); deleting any one gives the same sequence. VCF-style (leftmost placement, unchanged base first): chr10-53903302-AT-A. GRCh37 (hg19) VCF-style: chr10-55663062-AT-A.
Other names: c.3456del, p.Lys1152fs (NM_001142763.2, NM_001142771.2); c.3441del, p.Lys1147fs (NM_001142764.2, NM_001142766.2, NM_001142770.3 and 4 more transcripts); c.3228del, p.Lys1076fs (NM_001142765.2); c.3330del, p.Lys1110fs (NM_001142767.2); c.3375del, p.Lys1125fs (NM_001142768.2, NM_001142773.2, NM_001354404.2); c.3472delA, p.Lys1159Asnfs (NM_001142769.4); c.3462del, p.Lys1154fs (NM_001354411.2); short protein forms K1076fs, K1147fs, K1125fs, K1152fs, K1159fs, K1110fs, K1154fs.
Identifiers: ClinVar variation 1384879 (VCV001384879.6), dbSNP rs770832663, ClinGen allele CA469495657.

ClinVar aggregate classification (germline): Pathogenic (1 of 4 stars; one submission).

Submission:

Labcorp Genetics (formerly Invitae), Labcorp
Classification: Pathogenic. Last evaluated: 2021-07-02. Review status: criteria provided, single submitter. Criteria: Invitae Variant Classification Sherloc (09022015). Collection method: clinical testing. Allele origin: germline.
Comment: This sequence change creates a premature translational stop signal (p.Lys1147Asnfs*20) in the PCDH15 gene. It is expected to result in an absent or disrupted protein product. Loss-of-function variants in PCDH15 are known to be pathogenic (PMID: 11398101, 11487575, 14570705). This variant is not present in population databases (ExAC no frequency). This variant has not been reported in the literature in individuals affected with PCDH15-related conditions. For these reasons, this variant has been classified as Pathogenic.

Literature cited by the submitters: PubMed 11398101; PubMed 11487575; PubMed 14570705.